The following is an entry in ClinVar:

NM_001099403.2(PRDM8):c.331C>G (p.Gln111Glu)

Genes: PRDM8 (PR/SET domain 8; plus strand), LOC126807094 (CDK7 strongly-dependent group 2 enhancer GRCh37_chr4:81121978-81123177; plus strand). Cytogenetic location: 4q21.21.
Variant type: single nucleotide variant.
Coding change: c.331C>G on transcript NM_001099403.2 (MANE Select); coding-DNA position 331, C replaced by G.
Protein change: p.Gln111Glu; replaces glutamine 111 with glutamic acid.
Molecular consequence: missense variant.
Genome position (GRCh38, 1-based): chr4:80,201,401, C>G. VCF-style: chr4-80201401-C-G. GRCh37 (hg19) VCF-style: chr4-81122555-C-G.
Other names: c.331C>G, p.Gln111Glu (NM_020226.4); short protein forms Q111E.
Identifiers: ClinVar variation 1941677 (VCV001941677.5), dbSNP rs751697258, ClinGen allele CA2982188.

ClinVar aggregate classification (germline): Uncertain significance (1 of 4 stars; one submission).

Conditions:
Early-onset Lafora body disease. Also called: Epilepsy, progressive myoclonic, 10. Identifiers: Orphanet 324290, MedGen C4225258, MONDO:0014717, OMIM 616640.

Allele frequency attached by ClinVar (database versions not stated): gnomAD exomes below 0.00001; ExAC 0.00001.
gnomAD v4.1: 6 of 1,614,226 alleles (0.00037%); highest among the groups gnomAD compares: South Asian, 0.0022%; no homozygotes.

Submission:

Labcorp Genetics (formerly Invitae), Labcorp
Classification: Uncertain significance for Early-onset Lafora body disease. Last evaluated: 2022-02-20. Review status: criteria provided, single submitter. Criteria: Invitae Variant Classification Sherloc (09022015). Collection method: clinical testing. Allele origin: germline.
Comment: This sequence change replaces glutamine, which is neutral and polar, with glutamic acid, which is acidic and polar, at codon 111 of the PRDM8 protein (p.Gln111Glu). This variant is present in population databases (rs751697258, gnomAD 0.003%). This variant has not been reported in the literature in individuals affected with PRDM8-related conditions. Algorithms developed to predict the effect of missense changes on protein structure and function (SIFT, PolyPhen-2, Align-GVGD) all suggest that this variant is likely to be tolerated. Algorithms developed to predict the effect of sequence changes on RNA splicing suggest that this variant may disrupt the consensus splice site. In summary, the available evidence is currently insufficient to determine the role of this variant in disease. Therefore, it has been classified as a Variant of Uncertain Significance.